The following is an entry in ClinVar:

ClinVar aggregate classification (germline): Likely benign (1 of 4 stars; one submission).

Conditions:
Tuberous sclerosis 1 (TSC1). Identifiers: Orphanet 805, MedGen C1854465, MONDO:0008612, OMIM 191100.

Submission:

Myriad Genetics, Inc.
Classification: Likely benign for Tuberous sclerosis 1. Last evaluated: 2025-04-09. Review status: criteria provided, single submitter. Criteria: Myriad Autosomal Dominant, Autosomal Recessive and X-Linked Classification Criteria (2023). Collection method: clinical testing. Allele origin: unknown.
Comment: This variant is considered likely benign. This variant is intronic and is not expected to impact mRNA splicing.

NM_000368.5(TSC1):c.1141+7A>G

Gene: TSC1 (TSC complex subunit 1; minus strand). Cytogenetic location: 9q34.13.
Variant type: single nucleotide variant.
Coding change: c.1141+7A>G on transcript NM_000368.5 (MANE Select); 7 bases into the intron after coding-DNA position 1141, A replaced by G.
Molecular consequence: intron variant.
Genome position (GRCh38, 1-based): chr9:132,910,995, T>C on the plus strand (A>G on the coding strand, the complement: TSC1 is on the minus strand). VCF-style: chr9-132910995-T-C. GRCh37 (hg19) VCF-style: chr9-135786382-T-C.
Other names: c.778+7A>G (NM_001406617.1, NM_001406620.1, NM_001406618.1 and 10 more transcripts); c.988+7A>G (NM_001406613.1, NM_001406612.1, NM_001406610.1 and 2 more transcripts); c.190+7A>G (NM_001406627.1, NM_001406628.1, NM_001406626.1); c.91+7A>G (NM_001406629.1, NM_001406630.1); c.1141+7A>G (NM_001406603.1, NM_001406609.1, NM_001406597.1 and 16 more transcripts).
Identifiers: ClinVar variation 4071296 (VCV004071296.1).